The following is an entry in ClinVar:

ClinVar aggregate classification (germline): Uncertain significance. Review status: criteria provided, multiple submitters, no conflicts (2 of 4 stars). 2 submissions from 2 submitters: Uncertain significance (2). Last evaluated 2023-08-07.

Allele frequency attached by ClinVar (database versions not stated): gnomAD exomes below 0.00001; ExAC 0.00001; gnomAD 0.00001.
gnomAD v4.1: 2 of 1,613,846 alleles (0.00012%); highest among the groups gnomAD compares: Non-Finnish European, 0.000085%; no homozygotes.

Submissions (2):

GeneDx
Classification: Uncertain significance. Last evaluated: 2023-08-07. Review status: criteria provided, single submitter. Criteria: GeneDx Variant Classification Process June 2021. Collection method: clinical testing. Allele origin: germline. Affected: yes.
Comment: Identified in the heterozygous state in a patient with centrocecal scotoma and macular dystrophy, but it is unknown whether this individual was screened for variants in other genes (Charif et al., 2021); Not observed at significant frequency in large population cohorts (gnomAD); In silico analysis supports that this missense variant has a deleterious effect on protein structure/function; This variant is associated with the following publications: (PMID: 34056600)

Labcorp Genetics (formerly Invitae), Labcorp
Classification: Uncertain significance. Last evaluated: 2023-01-26. Review status: criteria provided, single submitter. Criteria: Invitae Variant Classification Sherloc (09022015). Collection method: clinical testing. Allele origin: germline.
Comment: In summary, the available evidence is currently insufficient to determine the role of this variant in disease. Therefore, it has been classified as a Variant of Uncertain Significance. Advanced modeling of protein sequence and biophysical properties (such as structural, functional, and spatial information, amino acid conservation, physicochemical variation, residue mobility, and thermodynamic stability) performed at Invitae indicates that this missense variant is expected to disrupt ACO2 protein function. This sequence change replaces arginine, which is basic and polar, with cysteine, which is neutral and slightly polar, at codon 679 of the ACO2 protein (p.Arg679Cys). This variant is present in population databases (rs747898560, gnomAD 0.004%). This missense change has been observed in individual(s) with clinical features of ACO2-related conditions (PMID: 34056600). ClinVar contains an entry for this variant (Variation ID: 1308978).

Literature cited by the submitters: PubMed 34056600 (cited by Labcorp Genetics (formerly Invitae), Labcorp).

NM_001098.3(ACO2):c.2035C>T (p.Arg679Cys)

Genes: ACO2 (aconitase 2; plus strand), POLR3H (RNA polymerase III subunit H; minus strand). Cytogenetic location: 22q13.2.
Variant type: single nucleotide variant.
Coding change: c.2035C>T on transcript NM_001098.3 (MANE Select); coding-DNA position 2035, C replaced by T.
Protein change: p.Arg679Cys; replaces arginine 679 with cysteine.
Molecular consequence: missense variant. On other transcripts: 3 prime UTR variant (5).
Genome position (GRCh38, 1-based): chr22:41,527,369, C>T. VCF-style: chr22-41527369-C-T. GRCh37 (hg19) VCF-style: chr22-41923373-C-T.
Other names: c.*1914G>A (NM_001018050.4, NM_001018052.4, NM_001282884.2 and 2 more transcripts); short protein forms R679C.
Identifiers: ClinVar variation 1308978 (VCV001308978.8), dbSNP rs747898560, ClinGen allele CA10257862.